The following is an entry in ClinVar:

NM_000455.5(STK11):c.248A>G (p.Lys83Arg)

Gene: STK11 (serine/threonine kinase 11; plus strand). Cytogenetic location: 19p13.3.
Variant type: single nucleotide variant.
Coding change: c.248A>G on transcript NM_000455.5 (MANE Select); coding-DNA position 248, A replaced by G.
Protein change: p.Lys83Arg; replaces lysine 83 with arginine.
Molecular consequence: missense variant.
Genome position (GRCh38, 1-based): chr19:1,207,161, A>G. VCF-style: chr19-1207161-A-G. GRCh37 (hg19) VCF-style: chr19-1207160-A-G.
Other names: short protein forms K83R.
Identifiers: ClinVar variation 234584 (VCV000234584.27), dbSNP rs374006397, ClinGen allele CA046692.

ClinVar aggregate classification (germline): Conflicting classifications of pathogenicity. Review status: criteria provided, conflicting classifications (1 of 4 stars). 9 submissions from 9 submitters: Uncertain significance (8); Likely benign (1). Last evaluated 2025-12-16.

Conditions:
Melanoma, cutaneous malignant, susceptibility to, 1 (CMM1). Also called: B-K MOLE SYNDROME; MELANOMA, MALIGNANT; DYSPLASTIC NEVUS SYNDROME, HEREDITARY; FAMILIAL ATYPICAL MOLE-MALIGNANT MELANOMA SYNDROME. Identifiers: Orphanet 618, MedGen C1835047, MONDO:0007963, OMIM 155600.
Familial pancreatic carcinoma. Identifiers: Orphanet 1333, MedGen C2931038, MONDO:0015278, OMIM 260350.
Germ cell tumor of testis (TGCT). Also called: Testicular germ cell tumor; GERM CELL TUMOR, SOMATIC. Identifiers: Orphanet 363504, MedGen C1336708, MONDO:0010108, OMIM 273300.
Peutz-Jeghers syndrome (PJS). Also called: POLYPOSIS, HAMARTOMATOUS INTESTINAL; POLYPS-AND-SPOTS SYNDROME; Peutz-Jeghers polyposis; Periorificial lentiginosis syndrome. Identifiers: Orphanet 2869, MedGen C0031269, MeSH D010580, MONDO:0008280, OMIM 175200.
Hereditary cancer-predisposing syndrome. Also called: Tumor predisposition; Hereditary Cancer Syndrome; Hereditary neoplastic syndrome; Neoplastic Syndromes, Hereditary. Identifiers: Orphanet 140162, MedGen C0027672, MeSH D009386, MONDO:0015356.

Allele frequency attached by ClinVar (database versions not stated): gnomAD exomes below 0.00001; ExAC 0.00001; TOPMed 0.00002; ESP Exome Variant Server 0.00008.
gnomAD v4.1: 3 of 1,611,992 alleles (0.00019%); highest among the groups gnomAD compares: African/African-American, 0.0013%; no homozygotes.

Submissions (9):

Labcorp Genetics (formerly Invitae), Labcorp
Classification: Likely benign for Peutz-Jeghers syndrome. Last evaluated: 2025-12-16. Review status: criteria provided, single submitter. Criteria: Invitae Variant Classification Sherloc (09022015). Collection method: clinical testing. Allele origin: germline.

Quest Diagnostics Nichols Institute San Juan Capistrano
Classification: Uncertain significance. Last evaluated: 2025-10-11. Review status: criteria provided, single submitter. Criteria: Quest Diagnostics criteria. Collection method: clinical testing. Allele origin: unknown.
Comment: The STK11 c.248A>G (p.Lys83Arg) variant has been reported in the published literature in a reportedly unaffected individual (PMID: 33471991 (2021)), see also LOVD). The frequency of this variant in the general population (Genome Aggregation Database) is uninformative in the assessment of its pathogenicity. Analysis of this variant using bioinformatics tools for the prediction of the effect of amino acid changes on protein structure and function yielded predictions that this variant is benign. Based on the available information, we are unable to determine the clinical significance of this variant.

Ambry Genetics
Classification: Uncertain significance for Hereditary cancer-predisposing syndrome. Last evaluated: 2024-08-28. Review status: criteria provided, single submitter. Criteria: Ambry Variant Classification Scheme 2023. Collection method: clinical testing. Allele origin: germline.
Comment: The p.K83R variant (also known as c.248A>G), located in coding exon 1 of the STK11 gene, results from an A to G substitution at nucleotide position 248. The lysine at codon 83 is replaced by arginine, an amino acid with highly similar properties. This amino acid position is highly conserved in available vertebrate species. In addition, the in silico prediction for this alteration is inconclusive. Based on the available evidence, the clinical significance of this variant remains unclear.

Fulgent Genetics
Classification: Uncertain significance for Melanoma, cutaneous malignant, susceptibility to, 1; Peutz-Jeghers syndrome; Familial pancreatic carcinoma; Germ cell tumor of testis. Last evaluated: 2024-02-14. Review status: criteria provided, single submitter. Criteria: ACMG Guidelines, 2015. Collection method: clinical testing. Allele origin: germline.

All of Us Research Program, National Institutes of Health
Classification: Uncertain significance for Peutz-Jeghers syndrome. Last evaluated: 2023-12-13. Review status: criteria provided, single submitter. Criteria: ACMG Guidelines, 2015. Collection method: clinical testing. Allele origin: germline. Inheritance: Autosomal dominant inheritance. Observed: 1 variant allele, 1 heterozygote.
Comment: This missense variant replaces lysine with arginine at codon 83 of the STK11 protein. Computational prediction suggests that this variant may not impact protein structure and function (internally defined REVEL score threshold <= 0.5, PMID: 27666373). To our knowledge, functional studies have not been reported for this variant. This variant has not been reported in individuals affected with STK11-related disorders in the literature. This variant has been identified in 1/242186 chromosomes in the general population by the Genome Aggregation Database (gnomAD). The available evidence is insufficient to determine the role of this variant in disease conclusively. Therefore, this variant is classified as a Variant of Uncertain Significance.

This study involves interpretation of variants in research participants for the purpose of population health screening. Participant phenotype was not available at the time of variant classification. Additional details can be found in publication PMID: 35346344, PMCID: PMC8962531

Color Diagnostics, LLC DBA Color Health
Classification: Uncertain significance for Hereditary cancer-predisposing syndrome. Last evaluated: 2023-11-16. Review status: criteria provided, single submitter. Criteria: ACMG Guidelines, 2015. Collection method: clinical testing. Allele origin: germline.
Comment: This missense variant replaces lysine with arginine at codon 83 of the STK11 protein. Computational prediction suggests that this variant may not impact protein structure and function (internally defined REVEL score threshold <= 0.5, PMID: 27666373). To our knowledge, functional studies have not been reported for this variant. This variant has not been reported in individuals affected with STK11-related disorders in the literature. This variant has been identified in 1/242186 chromosomes in the general population by the Genome Aggregation Database (gnomAD). The available evidence is insufficient to determine the role of this variant in disease conclusively. Therefore, this variant is classified as a Variant of Uncertain Significance.

GeneDx
Classification: Uncertain significance. Last evaluated: 2022-06-07. Review status: criteria provided, single submitter. Criteria: GeneDx Variant Classification Process June 2021. Collection method: clinical testing. Allele origin: germline. Affected: yes.
Comment: Not observed at significant frequency in large population cohorts (gnomAD); In silico analysis supports that this missense variant does not alter protein structure/function; Has not been previously published as pathogenic or benign to our knowledge; This variant is associated with the following publications: (PMID: 15863673)

Genome-Nilou Lab
Classification: Uncertain significance for Peutz-Jeghers syndrome. Last evaluated: 2021-07-15. Review status: criteria provided, single submitter. Criteria: ACMG Guidelines, 2015. Collection method: clinical testing. Allele origin: germline. Affected: no.

Sema4
Classification: Uncertain significance for Hereditary cancer-predisposing syndrome. Last evaluated: 2021-06-12. Review status: criteria provided, single submitter. Criteria: Sema4 Curation Guidelines. Collection method: curation. Allele origin: germline.
Comment: To the best of our knowledge, the STK11 c.248A>G (p.K83R) variant has not been reported in individuals with STK11-related disease. In a large case-control study of individuals with breast cancer, this variant was reported in one control (PMID: 33471991). It was observed in 1/14670 chromosomes of the African/African American subpopulation in the large and broad cohorts of the Genome Aggregation Database (PMID: 32461654). The variant has been reported in ClinVar (Variation ID 234584). In silico tools suggest the impact of the variant on protein function is inconclusive, though these predictions have not been confirmed by functional studies. The evidence is insufficient to meet ACMG/AMP criteria for classifying the variant as benign or pathogenic. Thus, the clinical significance of this variant is currently uncertain.

Literature cited by the submitters: PubMed 33471991 (cited by Quest Diagnostics Nichols Institute San Juan Capistrano and Sema4).